The following is an entry in ClinVar:

NM_013447.4(ADGRE2):c.347C>T (p.Thr116Met)

Gene: ADGRE2 (adhesion G protein-coupled receptor E2; minus strand). Cytogenetic location: 19p13.12.
Variant type: single nucleotide variant.
Coding change: c.347C>T on transcript NM_013447.4 (MANE Select); coding-DNA position 347, C replaced by T.
Protein change: p.Thr116Met; replaces threonine 116 with methionine.
Molecular consequence: missense variant.
Genome position (GRCh38, 1-based): chr19:14,772,350, G>A on the plus strand (C>T on the coding strand, the complement: ADGRE2 is on the minus strand). VCF-style: chr19-14772350-G-A. GRCh37 (hg19) VCF-style: chr19-14883162-G-A.
Other names: c.347C>T, p.Thr116Met (NM_001271052.1, NM_152916.2, NM_152917.2); short protein forms T116M.
Identifiers: ClinVar variation 3620936 (VCV003620936.2).
Genomic context (GRCh38, chr19:14,772,350, plus strand): 5'-TGACCCCAAACCTCATGGACAGTGGTGATGGAGGATGTGGGGTGGTTCTTACCTTGACAC[G>A]TGTTCTCGCTCTCATTCTTGAATGTTTTTGCCCCAGAAACAGGCTCATATCCTGGGCTGC-3'
Protein context (NP_038475.2, residues 106-126): AKTFKNESEN[Thr116Met]CQDVDECQQN

ClinVar aggregate classification (germline): Uncertain significance (1 of 4 stars; one submission).

gnomAD v4.1: 11 of 1,613,984 alleles (0.00068%); highest among the groups gnomAD compares: African/African-American, 0.0013%; no homozygotes.

Submission:

Labcorp Genetics (formerly Invitae), Labcorp
Classification: Uncertain significance. Last evaluated: 2024-10-13. Review status: criteria provided, single submitter. Criteria: Invitae Variant Classification Sherloc (09022015). Collection method: clinical testing. Allele origin: germline.
Comment: This sequence change replaces threonine, which is neutral and polar, with methionine, which is neutral and non-polar, at codon 116 of the ADGRE2 protein (p.Thr116Met). This variant is present in population databases (rs750214500, gnomAD 0.01%). This variant has not been reported in the literature in individuals affected with ADGRE2-related conditions. An algorithm developed to predict the effect of missense changes on protein structure and function outputs the following: PolyPhen-2: "Probably Damaging". The methionine amino acid residue is found in multiple mammalian species, which suggests that this missense change does not adversely affect protein function. In summary, the available evidence is currently insufficient to determine the role of this variant in disease. Therefore, it has been classified as a Variant of Uncertain Significance.